The following is an entry in ClinVar:

NM_003011.4(SET):c.702A>T (p.Glu234Asp)

Gene: SET (SET nuclear proto-oncogene; plus strand). Cytogenetic location: 9q34.11.
Variant type: single nucleotide variant.
Coding change: c.702A>T on transcript NM_003011.4 (MANE Select); coding-DNA position 702, A replaced by T.
Protein change: p.Glu234Asp; replaces glutamic acid 234 with aspartic acid.
Molecular consequence: missense variant.
Genome position (GRCh38, 1-based): chr9:128,693,934, A>T. VCF-style: chr9-128693934-A-T. GRCh37 (hg19) VCF-style: chr9-131456213-A-T.
Other names: c.741A>T, p.Glu247Asp (NM_001122821.2, NM_001374326.1); c.675A>T, p.Glu225Asp (NM_001248000.2); c.669A>T, p.Glu223Asp (NM_001248001.2); short protein forms E223D, E225D, E234D, E247D.
Identifiers: ClinVar variation 3046681 (VCV003046681.4), dbSNP rs145251942, ClinGen allele CA5267088.
Genomic context (GRCh38, chr9:128,693,934, plus strand): 5'-ATTGTGCTTTTTTTTTTTTAAGGTTCCCGATATGGATGATGAAGAAGGAGAAGGAGAAGA[A>T]GATGATGATGATGATGAAGAGGAGGAAGGATTAGAAGATATTGACGAAGAAGGGGATGAG-3'
Protein context (NP_003002.2, residues 224-244): DMDDEEGEGE[Glu234Asp]DDDDDEEEEG

ClinVar aggregate classification (germline): Likely benign. Review status: criteria provided, single submitter (1 of 4 stars). 2 submissions from 2 submitters: Likely benign (1). 1 of the submissions does not count toward it. Last evaluated 2026-06-01.

Conditions:
SET-related disorder. Also called: SET-related condition.

Allele frequency attached by ClinVar (database versions not stated): gnomAD exomes 0.00068; ExAC 0.00069; gnomAD 0.00110; TOPMed 0.00114; ESP Exome Variant Server 0.00155; 1000 Genomes Project 0.00200.
gnomAD v4.1: 1,130 of 1,575,894 alleles (0.072%); highest among the groups gnomAD compares: African/African-American, 0.23%; 1 homozygote.

Submissions (2):

CeGaT Center for Human Genetics Tuebingen
Classification: Likely benign. Last evaluated: 2026-06-01. Review status: criteria provided, single submitter. Criteria: CeGaT Center For Human Genetics Tuebingen Variant Classification Criteria Version 2. Collection method: clinical testing. Allele origin: germline. Affected: yes. Observed: 1 variant allele.
Comment: SET: BS1

PreventionGenetics, part of Exact Sciences
Classification: Likely benign for SET-related condition. Last evaluated: 2022-12-13. Review status: no assertion criteria provided. Collection method: clinical testing. Allele origin: germline. Not counted in ClinVar's aggregate classification.
Comment: This variant is classified as likely benign based on ACMG/AMP sequence variant interpretation guidelines (Richards et al. 2015 PMID: 25741868, with internal and published modifications).